The following is an entry in ClinVar:

ClinVar aggregate classification (germline): Conflicting classifications of pathogenicity. Review status: criteria provided, conflicting classifications (1 of 4 stars). 6 submissions from 6 submitters: Uncertain significance (1); Benign (4). 1 of the submissions does not count toward it. Last evaluated 2026-09-01.

Conditions:
Hyperaldosteronism, familial, type IV (HALD4). Also called: FH IV; ALDOSTERONISM, PRIMARY, AND HYPERTENSION. Identifiers: Orphanet 642671, MedGen C4310756, MONDO:0014875, OMIM 617027.
Idiopathic generalized epilepsy. Also called: Generalised epilepsy; EIG. Identifiers: MedGen C0270850, MONDO:0005579, OMIM 600669.
CACNA1H-related disorder.

Allele frequency attached by ClinVar (database versions not stated): 1000 Genomes Project 0.00120; 1000 Genomes Project 30x 0.00125; ESP Exome Variant Server 0.00208; gnomAD 0.00287 and 0.00292; TOPMed 0.00289; ExAC 0.00323; gnomAD exomes 0.00349 and 0.00359.
gnomAD v4.1: 5,579 of 1,599,932 alleles (0.35%); highest among the groups gnomAD compares: Middle Eastern, 1.2%; 39 homozygotes.

Submissions (6):

CeGaT Center for Human Genetics Tuebingen
Classification: Benign. Last evaluated: 2026-09-01. Review status: criteria provided, single submitter. Criteria: CeGaT Center For Human Genetics Tuebingen Variant Classification Criteria Version 2. Collection method: clinical testing. Allele origin: germline. Affected: yes. Observed: 6 variant alleles.
Comment: CACNA1H: BP4, BS1, BS2

Labcorp Genetics (formerly Invitae), Labcorp
Classification: Benign for Idiopathic generalized epilepsy; Hyperaldosteronism, familial, type IV. Last evaluated: 2026-01-13. Review status: criteria provided, single submitter. Criteria: Invitae Variant Classification Sherloc (09022015). Collection method: clinical testing. Allele origin: germline.

Athena Diagnostics
Classification: Benign. Last evaluated: 2024-12-05. Review status: criteria provided, single submitter. Criteria: Athena Diagnostics Criteria. Collection method: clinical testing. Allele origin: unknown.
Comment: The frequency of this variant in the general population is higher than would generally be expected for pathogenic variants in this gene.

Mayo Clinic Laboratories, Mayo Clinic
Classification: Benign. Last evaluated: 2024-09-11. Review status: criteria provided, single submitter. Criteria: ACMG Guidelines, 2015. Collection method: clinical testing. Allele origin: germline. Observed: 3 variant alleles.
Comment: BS1, BS2

Eurofins Ntd Llc (ga)
Classification: Uncertain significance. Last evaluated: 2016-10-06. Review status: criteria provided, single submitter. Criteria: EGL Classification Definitions 2015. Collection method: clinical testing. Allele origin: germline. Observed: 1 variant allele, 1 heterozygote.

PreventionGenetics, part of Exact Sciences
Classification: Benign for CACNA1H-related condition. Last evaluated: 2019-04-23. Review status: no assertion criteria provided. Collection method: clinical testing. Allele origin: germline. Not counted in ClinVar's aggregate classification.
Comment: This variant is classified as benign based on ACMG/AMP sequence variant interpretation guidelines (Richards et al. 2015 PMID: 25741868, with internal and published modifications).

Literature cited by the submitters: PubMed 32859249 (cited by Athena Diagnostics and Mayo Clinic Laboratories, Mayo Clinic).

NM_021098.3(CACNA1H):c.4039-4G>A

Gene: CACNA1H (calcium voltage-gated channel subunit alpha1 H; plus strand). Cytogenetic location: 16p13.3.
Variant type: single nucleotide variant.
Coding change: c.4039-4G>A on transcript NM_021098.3 (MANE Select); 4 bases into the intron before coding-DNA position 4039, G replaced by A.
Molecular consequence: intron variant.
Genome position (GRCh38, 1-based): chr16:1,210,783, G>A. VCF-style: chr16-1210783-G-A. GRCh37 (hg19) VCF-style: chr16-1260783-G-A.
Other names: p.?; c.4039-4G>A (NM_001005407.2).
Identifiers: ClinVar variation 460106 (VCV000460106.44), dbSNP rs57315342, ClinGen allele CA7801129.